The following is an entry in ClinVar:

ClinVar aggregate classification (germline): Benign/Likely benign. Review status: criteria provided, multiple submitters, no conflicts (2 of 4 stars). 12 submissions from 12 submitters: Benign (4); Likely benign (5). 3 of the submissions do not count toward it. Last evaluated 2026-04-01.

Conditions:
Cardiovascular phenotype. Identifiers: MedGen CN230736.
Aortic aneurysm, familial thoracic 9 (AAT9). Identifiers: MedGen C4015368, MONDO:0014514, OMIM 616166.

Allele frequency attached by ClinVar (database versions not stated): gnomAD exomes 0.00239; ExAC 0.00255; gnomAD 0.00264 and 0.00272; ESP Exome Variant Server 0.00415; 1000 Genomes Project 0.00060; 1000 Genomes Project 30x 0.00078; TOPMed 0.00236.

Submissions (12):

CeGaT Center for Human Genetics Tuebingen
Classification: Likely benign. Last evaluated: 2026-04-01. Review status: criteria provided, single submitter. Criteria: CeGaT Center For Human Genetics Tuebingen Variant Classification Criteria Version 2. Collection method: clinical testing. Allele origin: germline. Affected: yes. Observed: 18 variant alleles.
Comment: MFAP5: BP4, BP7, BS2

Labcorp Genetics (formerly Invitae), Labcorp
Classification: Benign. Last evaluated: 2026-02-01. Review status: criteria provided, single submitter. Criteria: Invitae Variant Classification Sherloc (09022015). Collection method: clinical testing. Allele origin: germline.

ARUP Laboratories, Molecular Genetics and Genomics, ARUP Laboratories
Classification: Benign for Aortic aneurysm, familial thoracic 9. Last evaluated: 2025-06-18. Review status: criteria provided, single submitter. Criteria: ARUP Molecular Germline Variant Investigation Process 2024. Collection method: clinical testing. Allele origin: germline.

Mayo Clinic Laboratories, Mayo Clinic
Classification: Benign. Last evaluated: 2025-04-30. Review status: criteria provided, single submitter. Criteria: ACMG Guidelines, 2015. Collection method: clinical testing. Allele origin: germline. Observed: 11 variant alleles.
Comment: BS1, BS2, BP4, BP7

Blueprint Genetics
Classification: Likely benign. Last evaluated: 2024-11-25. Review status: criteria provided, single submitter. Criteria: ACMG Guidelines, 2015. Collection method: clinical testing. Allele origin: germline.

Women's Health and Genetics/Laboratory Corporation of America, LabCorp
Classification: Benign. Last evaluated: 2023-11-27. Review status: criteria provided, single submitter. Criteria: LabCorp Variant Classification Summary - May 2015. Collection method: clinical testing. Allele origin: germline.

Ambry Genetics
Classification: Likely benign for Cardiovascular phenotype. Last evaluated: 2019-02-06. Review status: criteria provided, single submitter. Criteria: Ambry Variant Classification Scheme 2023. Collection method: clinical testing. Allele origin: germline.

GeneDx
Classification: Likely benign. Last evaluated: 2017-12-15. Review status: criteria provided, single submitter. Criteria: GeneDx Variant Classification (06012015). Collection method: clinical testing. Allele origin: germline. Affected: yes.
Comment: This variant is considered likely benign or benign based on one or more of the following criteria: it is a conservative change, it occurs at a poorly conserved position in the protein, it is predicted to be benign by multiple in silico algorithms, and/or has population frequency not consistent with disease.

Breakthrough Genomics
Classification: Likely benign. Review status: criteria provided, single submitter. Criteria: ACMG Guidelines, 2015. Collection method: not provided. Allele origin: germline. Inheritance: Autosomal dominant inheritance. Affected: yes.

Clinical Genetics DNA and cytogenetics Diagnostics Lab, Erasmus MC, Erasmus Medical Center
Classification: Likely benign. Review status: no assertion criteria provided. Collection method: clinical testing. Allele origin: germline. Affected: yes. Study: VKGL Data-share Consensus. Not counted in ClinVar's aggregate classification.

Genome Diagnostics Laboratory, Amsterdam University Medical Center
Classification: Benign. Review status: no assertion criteria provided. Collection method: clinical testing. Allele origin: germline. Affected: yes. Study: VKGL Data-share Consensus. Not counted in ClinVar's aggregate classification.

Genome Diagnostics Laboratory, University Medical Center Utrecht
Classification: Likely benign. Review status: no assertion criteria provided. Collection method: clinical testing. Allele origin: germline. Affected: yes. Study: VKGL Data-share Consensus. Not counted in ClinVar's aggregate classification.

NM_003480.4(MFAP5):c.6G>A (p.Ser2=)

Gene: MFAP5 (microfibril associated protein 5; minus strand). Cytogenetic location: 12p13.31.
Variant type: single nucleotide variant.
Coding change: c.6G>A on transcript NM_003480.4 (MANE Select); coding-DNA position 6, G replaced by A.
Protein change: p.Ser2=; no amino-acid change (serine 2 retained).
Molecular consequence: synonymous variant. On other transcripts: non-coding transcript variant (2).
Genome position (GRCh38, 1-based): chr12:8,662,099, C>T on the plus strand (G>A on the coding strand, the complement: MFAP5 is on the minus strand). VCF-style: chr12-8662099-C-T. GRCh37 (hg19) VCF-style: chr12-8814695-C-T.
Other names: p.Ser2=; c.6G>A, p.Ser2= (NM_001297709.2, NM_001297710.2, NM_001297711.2 and 1 more transcripts).
Identifiers: ClinVar variation 388139 (VCV000388139.55), dbSNP rs4132450, ClinGen allele CA6434813.